The following is an entry in ClinVar:

ClinVar aggregate classification (germline): Uncertain significance. Review status: criteria provided, multiple submitters, no conflicts (2 of 4 stars). 2 submissions from 2 submitters: Uncertain significance (2). Last evaluated 2024-02-13.

Conditions:
Inborn genetic diseases. Identifiers: MedGen C0950123, MeSH D030342.

Allele frequency attached by ClinVar (database versions not stated): gnomAD exomes below 0.00001 and 0.00003; TOPMed below 0.00001; ExAC 0.00001.
gnomAD v4.1: 36 of 1,613,822 alleles (0.0022%); highest among the groups gnomAD compares: Non-Finnish European, 0.0031%; no homozygotes.

Submissions (2):

Ambry Genetics
Classification: Uncertain significance for Inborn genetic diseases. Last evaluated: 2024-02-13. Review status: criteria provided, single submitter. Criteria: Ambry Variant Classification Scheme 2023. Collection method: clinical testing. Allele origin: germline.

Labcorp Genetics (formerly Invitae), Labcorp
Classification: Uncertain significance. Last evaluated: 2023-11-10. Review status: criteria provided, single submitter. Criteria: Invitae Variant Classification Sherloc (09022015). Collection method: clinical testing. Allele origin: germline.
Comment: This sequence change replaces isoleucine, which is neutral and non-polar, with threonine, which is neutral and polar, at codon 400 of the EFEMP1 protein (p.Ile400Thr). This variant is present in population databases (rs762126695, gnomAD 0.0009%). This variant has not been reported in the literature in individuals affected with EFEMP1-related conditions. ClinVar contains an entry for this variant (Variation ID: 1004980). Advanced modeling of protein sequence and biophysical properties (such as structural, functional, and spatial information, amino acid conservation, physicochemical variation, residue mobility, and thermodynamic stability) performed at Invitae indicates that this missense variant is not expected to disrupt EFEMP1 protein function with a negative predictive value of 80%. In summary, the available evidence is currently insufficient to determine the role of this variant in disease. Therefore, it has been classified as a Variant of Uncertain Significance.

NM_001039348.3(EFEMP1):c.1199T>C (p.Ile400Thr)

Gene: EFEMP1 (EGF-like fibulin extracellular matrix protein 1; minus strand). Cytogenetic location: 2p16.1.
Variant type: single nucleotide variant.
Coding change: c.1199T>C on transcript NM_001039348.3 (MANE Select); coding-DNA position 1199, T replaced by C.
Protein change: p.Ile400Thr; replaces isoleucine 400 with threonine.
Molecular consequence: missense variant.
Genome position (GRCh38, 1-based): chr2:55,870,841, A>G on the plus strand (T>C on the coding strand, the complement: EFEMP1 is on the minus strand). VCF-style: chr2-55870841-A-G. GRCh37 (hg19) VCF-style: chr2-56097976-A-G.
Other names: c.1199T>C, p.Ile400Thr (NM_001039349.3); c.1199T>C (NM_001039348.2); short protein forms I400T.
Identifiers: ClinVar variation 1004980 (VCV001004980.9), dbSNP rs762126695, ClinGen allele CA1668726.